The following is an entry in ClinVar:

NM_015557.3(CHD5):c.3377A>T (p.Asn1126Ile)

Gene: CHD5 (chromodomain helicase DNA binding protein 5; minus strand). Cytogenetic location: 1p36.31.
Variant type: single nucleotide variant.
Coding change: c.3377A>T on transcript NM_015557.3 (MANE Select); coding-DNA position 3377, A replaced by T.
Protein change: p.Asn1126Ile; replaces asparagine 1126 with isoleucine.
Molecular consequence: missense variant.
Genome position (GRCh38, 1-based): chr1:6,130,214, T>A on the plus strand (A>T on the coding strand, the complement: CHD5 is on the minus strand). VCF-style: chr1-6130214-T-A. GRCh37 (hg19) VCF-style: chr1-6190274-T-A.
Other names: short protein forms N1126I.
Identifiers: ClinVar variation 1956835 (VCV001956835.5), dbSNP rs1261881368, ClinGen allele CA338076603.
Genomic context (GRCh38, chr1:6,130,214, plus strand): 5'-CCCGGGATGAGAGGCCCCCTGGGAGGGTGGTGGGCGGCAGCAGCACAGACCTGGATGTCA[T>A]TGTGCGGGTTCCAGTCCGAGTCGTAGATGATGACAGTGTCCGCCGTGGCCAGGTTGATGC-3'
Protein context (NP_056372.1, residues 1116-1136): IIYDSDWNPH[Asn1126Ile]DIQAFSRAHR

ClinVar aggregate classification (germline): Uncertain significance (1 of 4 stars; one submission).

Submission:

Labcorp Genetics (formerly Invitae), Labcorp
Classification: Uncertain significance. Last evaluated: 2023-12-24. Review status: criteria provided, single submitter. Criteria: Invitae Variant Classification Sherloc (09022015). Collection method: clinical testing. Allele origin: germline.
Comment: This sequence change replaces asparagine, which is neutral and polar, with isoleucine, which is neutral and non-polar, at codon 1126 of the CHD5 protein (p.Asn1126Ile). This variant is present in population databases (no rsID available, gnomAD 0.0009%). This variant has not been reported in the literature in individuals affected with CHD5-related conditions. ClinVar contains an entry for this variant (Variation ID: 1956835). Advanced modeling of protein sequence and biophysical properties (such as structural, functional, and spatial information, amino acid conservation, physicochemical variation, residue mobility, and thermodynamic stability) performed at Invitae indicates that this missense variant is expected to disrupt CHD5 protein function with a positive predictive value of 80%. In summary, the available evidence is currently insufficient to determine the role of this variant in disease. Therefore, it has been classified as a Variant of Uncertain Significance.